The following is an entry in ClinVar:

ClinVar aggregate classification (germline): Likely pathogenic (1 of 4 stars; one submission).

Conditions:
Osteogenesis imperfecta with normal sclerae, dominant form (OI4). Also called: OSTEOGENESIS IMPERFECTA, TYPE IV, WITH DENTINOGENESIS IMPERFECTA; Osteogenesis imperfecta type 4; Osteogenesis Imperfecta Type IV; OSTEOGENESIS IMPERFECTA WITH NORMAL SCLERAE; Common Variable Osteogenesis Imperfecta with Normal Sclerae. Identifiers: Orphanet 216820, Orphanet 666, MedGen C0268363, MONDO:0008148, OMIM 166220.

Submission:

Institute of Rare Diseases, West China Hospital, Sichuan University
Classification: Likely pathogenic for Osteogenesis imperfecta with normal sclerae, dominant form. Last evaluated: 2025-01-09. Review status: criteria provided, single submitter. Criteria: ClinGen HL ACMG Specifications v1. Collection method: research. Allele origin: germline. Affected: yes.
Comment: PVS1;PM2_Supporting

NM_000088.4(COL1A1):c.3366del (p.Pro1123fs)

Gene: COL1A1 (collagen type I alpha 1 chain; minus strand). Cytogenetic location: 17q21.33.
Variant type: Deletion.
Coding change: c.3366del on transcript NM_000088.4 (MANE Select); coding-DNA position 3366, one base deleted (T; older notation c.3366delT).
Protein change: p.Pro1123fs; shifts the reading frame from proline 1123.
Molecular consequence: frameshift variant.
Genome position (GRCh38, 1-based): chr17:50,187,879, A deleted on the plus strand (T on the coding strand, the reverse complement: COL1A1 is on the minus strand). VCF-style (leftmost placement, unchanged base first): chr17-50187878-GA-G. GRCh37 (hg19) VCF-style: chr17-48265239-GA-G.
Other names: c.3366delT (NM_000088.4); short protein forms P1123fs.
Identifiers: ClinVar variation 3601064 (VCV003601064.1).